The following is an entry in ClinVar:

ClinVar aggregate classification (germline): Likely benign. Review status: criteria provided, multiple submitters, no conflicts (2 of 4 stars). 2 submissions from 2 submitters: Likely benign (2). Last evaluated 2025-09-22.

Allele frequency attached by ClinVar (database versions not stated): TOPMed 0.00009; gnomAD 0.00010 and 0.00011; ExAC 0.00015; ESP Exome Variant Server 0.00015; gnomAD exomes 0.00018; 1000 Genomes Project 0.00040; 1000 Genomes Project 30x 0.00062.
gnomAD v4.1: 237 of 1,609,508 alleles (0.015%); highest among the groups gnomAD compares: Middle Eastern, 0.067%; 1 homozygote.

Submissions (2):

Labcorp Genetics (formerly Invitae), Labcorp
Classification: Likely benign. Last evaluated: 2025-09-22. Review status: criteria provided, single submitter. Criteria: Invitae Variant Classification Sherloc (09022015). Collection method: clinical testing. Allele origin: germline.

CeGaT Center for Human Genetics Tuebingen
Classification: Likely benign. Last evaluated: 2022-12-01. Review status: criteria provided, single submitter. Criteria: CeGaT Center For Human Genetics Tuebingen Variant Classification Criteria Version 2. Collection method: clinical testing. Allele origin: germline. Affected: yes. Observed: 1 variant allele.
Comment: CTBP1: BP4

NM_001012614.2(CTBP1):c.988+7G>A

Genes: CTBP1 (C-terminal binding protein 1; minus strand), CTBP1-AS (CTBP1 antisense RNA; plus strand). Cytogenetic location: 4p16.3.
Variant type: single nucleotide variant.
Coding change: c.988+7G>A on transcript NM_001012614.2 (MANE Select); 7 bases into the intron after coding-DNA position 988, G replaced by A.
Molecular consequence: intron variant.
Genome position (GRCh38, 1-based): chr4:1,213,471, C>T on the plus strand (G>A on the coding strand, the complement: CTBP1 is on the minus strand). VCF-style: chr4-1213471-C-T. GRCh37 (hg19) VCF-style: chr4-1207259-C-T.
Other names: c.1021+7G>A (NM_001328.3).
Identifiers: ClinVar variation 730790 (VCV000730790.36), dbSNP rs200023219, ClinGen allele CA2804229.